The following is an entry in ClinVar:

ClinVar aggregate classification (germline): Likely benign (1 of 4 stars; one submission).

Conditions:
Lynch syndrome 4 (LYNCH4). Also called: Colorectal cancer, hereditary nonpolyposis, type 4; Hereditary non-polyposis colorectal cancer, type 4. Identifiers: Orphanet 144, MedGen C1838333, MONDO:0013699, OMIM 614337. Disease mechanism: loss of function.

Submission:

Myriad Genetics, Inc.
Classification: Likely benign for Lynch syndrome 4. Last evaluated: 2025-02-03. Review status: criteria provided, single submitter. Criteria: Myriad Autosomal Dominant, Autosomal Recessive and X-Linked Classification Criteria (2023). Collection method: clinical testing. Allele origin: unknown.
Comment: This variant is considered likely benign. This variant is intronic and is not expected to impact mRNA splicing.

NM_000535.7(PMS2):c.2175-15T>C

Gene: PMS2 (PMS1 homolog 2, mismatch repair system component; minus strand). Cytogenetic location: 7p22.1.
Variant type: single nucleotide variant.
Coding change: c.2175-15T>C on transcript NM_000535.7 (MANE Select); 15 bases into the intron before coding-DNA position 2175, T replaced by C.
Molecular consequence: intron variant.
Genome position (GRCh38, 1-based): chr7:5,978,711, A>G on the plus strand (T>C on the coding strand, the complement: PMS2 is on the minus strand). VCF-style: chr7-5978711-A-G. GRCh37 (hg19) VCF-style: chr7-6018342-A-G.
Other names: c.1857-15T>C (NM_001322008.2, NM_001406883.1, NM_001322007.2 and 1 more transcripts); c.1866-15T>C (NM_001406881.1, NM_001406879.1, NM_001322015.2 and 5 more transcripts); c.1770-15T>C (NM_001406895.1, NM_001322004.2, NM_001406889.1 and 14 more transcripts); c.1404-15T>C (NM_001406911.1); c.1614-15T>C (NM_001322010.2, NM_001406906.1, NM_001406907.1); c.1701-15T>C (NM_001406902.1, NM_001406901.1); c.1662-15T>C (NM_001406904.1, NM_001406905.1); c.1602-15T>C (NM_001322013.2, NM_001406908.1, NM_001406909.1); and 16 more.
Identifiers: ClinVar variation 3903603 (VCV003903603.1).
Genomic context (GRCh38, chr7:5,978,711, plus strand): 5'-TATCAGAACAGCTTCATTAACAGCAGTTAAGTTGAGAGTCTGAGGTCTGAAAAACACAAA[A>G]ATGATTCAAACCATATCCTGAAGTCAAACATTTAGCTTTACAGCAGAAATGAAATGAAAA-3'